The following is an entry in ClinVar:

ClinVar aggregate classification (germline): Uncertain significance (1 of 4 stars; one submission).

Allele frequency attached by ClinVar (database versions not stated): gnomAD exomes below 0.00001.
gnomAD v4.1: 1 of 1,605,578 alleles (0.000062%); highest among the groups gnomAD compares: East Asian, 0.0022%; no homozygotes.

Submission:

Ambry Genetics
Classification: Uncertain significance. Last evaluated: 2016-12-13. Review status: criteria provided, single submitter. Criteria: Ambry Variant Classification Scheme 2023. Collection method: clinical testing. Allele origin: germline.
Comment: The p.A286V variant (also known as c.857C>T), located in coding exon 6 of the PRICKLE1 gene, results from a C to T substitution at nucleotide position 857. The alanine at codon 286 is replaced by valine, an amino acid with similar properties. This amino acid position is not well conserved in available vertebrate species. In addition, this alteration is predicted to be tolerated by in silico analysis. Since supporting evidence is limited at this time, the clinical significance of this alteration remains unclear.

NM_153026.3(PRICKLE1):c.857C>T (p.Ala286Val)

Genes: PRICKLE1 (prickle planar cell polarity protein 1; minus strand), LOC126861509 (BRD4-independent group 4 enhancer GRCh37_chr12:42858567-42859766; plus strand). Cytogenetic location: 12q12.
Variant type: single nucleotide variant.
Coding change: c.857C>T on transcript NM_153026.3 (MANE Select); coding-DNA position 857, C replaced by T.
Protein change: p.Ala286Val; replaces alanine 286 with valine.
Molecular consequence: missense variant.
Genome position (GRCh38, 1-based): chr12:42,465,177, G>A on the plus strand (C>T on the coding strand, the complement: PRICKLE1 is on the minus strand). VCF-style: chr12-42465177-G-A. GRCh37 (hg19) VCF-style: chr12-42858979-G-A.
Other names: c.857C>T, p.Ala286Val (NM_001144881.2, NM_001144882.2, NM_001144883.2); short protein forms A286V.
Identifiers: ClinVar variation 589989 (VCV000589989.5), dbSNP rs1361958779, ClinGen allele CA384442997.